The following is an entry in ClinVar:

ClinVar aggregate classification (germline): Benign. Review status: criteria provided, multiple submitters, no conflicts (2 of 4 stars). 4 submissions from 4 submitters: Benign (4). Last evaluated 2025-12-31.

Allele frequency attached by ClinVar (database versions not stated): gnomAD exomes 0.00103 and 0.00276; ExAC 0.00344; gnomAD 0.01068 and 0.01150; 1000 Genomes Project 0.01258; TOPMed 0.01265; ESP Exome Variant Server 0.01322; 1000 Genomes Project 30x 0.01499.
gnomAD v4.1: 3,179 of 1,612,888 alleles (0.2%); highest among the groups gnomAD compares: African/African-American, 3.7%; 45 homozygotes.

Submissions (4):

Labcorp Genetics (formerly Invitae), Labcorp
Classification: Benign. Last evaluated: 2025-12-31. Review status: criteria provided, single submitter. Criteria: Invitae Variant Classification Sherloc (09022015). Collection method: clinical testing. Allele origin: germline.

Mayo Clinic Laboratories, Mayo Clinic
Classification: Benign. Last evaluated: 2019-01-21. Review status: criteria provided, single submitter. Criteria: ACMG Guidelines, 2015. Collection method: clinical testing. Allele origin: germline. Observed: 8 variant alleles.

GeneDx
Classification: Benign. Last evaluated: 2016-07-13. Review status: criteria provided, single submitter. Criteria: GeneDx Variant Classification (06012015). Collection method: clinical testing. Allele origin: germline. Affected: yes.
Comment: This variant is considered likely benign or benign based on one or more of the following criteria: it is a conservative change, it occurs at a poorly conserved position in the protein, it is predicted to be benign by multiple in silico algorithms, and/or has population frequency not consistent with disease.

Breakthrough Genomics
Classification: Benign. Review status: criteria provided, single submitter. Criteria: ACMG Guidelines, 2015. Collection method: not provided. Allele origin: germline. Inheritance: Autosomal recessive inheritance. Affected: yes.

NM_007208.4(MRPL3):c.945A>G (p.Pro315=)

Gene: MRPL3 (mitochondrial ribosomal protein L3; minus strand). Cytogenetic location: 3q22.1.
Variant type: single nucleotide variant.
Coding change: c.945A>G on transcript NM_007208.4 (MANE Select); coding-DNA position 945, A replaced by G.
Protein change: p.Pro315=; no amino-acid change (proline 315 retained).
Molecular consequence: synonymous variant.
Genome position (GRCh38, 1-based): chr3:131,462,825, T>C on the plus strand (A>G on the coding strand, the complement: MRPL3 is on the minus strand). VCF-style: chr3-131462825-T-C. GRCh37 (hg19) VCF-style: chr3-131181669-T-C.
Other names: p.Pro315=.
Identifiers: ClinVar variation 386054 (VCV000386054.13), dbSNP rs61731513, ClinGen allele CA2616857.